The following is an entry in ClinVar:

ClinVar aggregate classification (germline): Likely benign. Review status: criteria provided, single submitter (1 of 4 stars). 2 submissions from 2 submitters: Likely benign (1). 1 of the submissions does not count toward it. Last evaluated 2025-07-23.

Conditions:
PKD1L1-related disorder. Also called: PKD1L1-related condition.

Allele frequency attached by ClinVar (database versions not stated): ESP Exome Variant Server 0.00031; 1000 Genomes Project 0.00060; 1000 Genomes Project 30x 0.00062.
gnomAD v4.1: 86 of 1,610,484 alleles (0.0053%); highest among the groups gnomAD compares: African/African-American, 0.099%; no homozygotes.

Submissions (2):

Labcorp Genetics (formerly Invitae), Labcorp
Classification: Likely benign. Last evaluated: 2025-07-23. Review status: criteria provided, single submitter. Criteria: Invitae Variant Classification Sherloc (09022015). Collection method: clinical testing. Allele origin: germline.

PreventionGenetics, part of Exact Sciences
Classification: Likely benign for PKD1L1-related condition. Last evaluated: 2023-04-12. Review status: no assertion criteria provided. Collection method: clinical testing. Allele origin: germline. Not counted in ClinVar's aggregate classification.
Comment: This variant is classified as likely benign based on ACMG/AMP sequence variant interpretation guidelines (Richards et al. 2015 PMID: 25741868, with internal and published modifications).

NM_138295.5(PKD1L1):c.6175-10G>A

Gene: PKD1L1 (polycystin 1 like 1, transient receptor potential channel interacting; minus strand). Cytogenetic location: 7p12.3.
Variant type: single nucleotide variant.
Coding change: c.6175-10G>A on transcript NM_138295.5 (MANE Select); 10 bases into the intron before coding-DNA position 6175, G replaced by A.
Molecular consequence: intron variant.
Genome position (GRCh38, 1-based): chr7:47,833,262, C>T on the plus strand (G>A on the coding strand, the complement: PKD1L1 is on the minus strand). VCF-style: chr7-47833262-C-T. GRCh37 (hg19) VCF-style: chr7-47872860-C-T.
Identifiers: ClinVar variation 3047012 (VCV003047012.3), dbSNP rs371030908, ClinGen allele CA4252531.